The following is an entry in ClinVar:

NM_020778.5(ALPK3):c.3569C>T (p.Thr1190Met)

Gene: ALPK3 (alpha kinase 3; plus strand). Cytogenetic location: 15q25.3.
Variant type: single nucleotide variant.
Coding change: c.3569C>T on transcript NM_020778.5 (MANE Select); coding-DNA position 3569, C replaced by T.
Protein change: p.Thr1190Met; replaces threonine 1190 with methionine.
Molecular consequence: missense variant.
Genome position (GRCh38, 1-based): chr15:84,858,307, C>T. VCF-style: chr15-84858307-C-T. GRCh37 (hg19) VCF-style: chr15-85401538-C-T.
Other names: short protein forms T1190M.
Identifiers: ClinVar variation 1804923 (VCV001804923.11), dbSNP rs368985779, ClinGen allele CA7709661.

ClinVar aggregate classification (germline): Conflicting classifications of pathogenicity. Review status: criteria provided, conflicting classifications (1 of 4 stars). 5 submissions from 5 submitters: Uncertain significance (3); Likely benign (2). Last evaluated 2026-02-02.

Conditions:
ALPK3-related disorder. Also called: ALPK3-related condition.
Cardiovascular phenotype. Identifiers: MedGen CN230736.
Cardiomyopathy, familial hypertrophic 27. Identifiers: MedGen C4748014, MONDO:0054838, OMIM 618052.

Allele frequency attached by ClinVar (database versions not stated): gnomAD 0.00004; TOPMed 0.00004; ESP Exome Variant Server 0.00008; ExAC 0.00042.
gnomAD v4.1: 69 of 1,570,722 alleles (0.0044%); highest among the groups gnomAD compares: South Asian, 0.0081%; no homozygotes.

Submissions (5):

Labcorp Genetics (formerly Invitae), Labcorp
Classification: Uncertain significance. Last evaluated: 2026-02-02. Review status: criteria provided, single submitter. Criteria: Invitae Variant Classification Sherloc (09022015). Collection method: clinical testing. Allele origin: germline.
Comment: This sequence change replaces threonine, which is neutral and polar, with methionine, which is neutral and non-polar, at codon 1392 of the ALPK3 protein (p.Thr1392Met). This variant is present in population databases (rs368985779, gnomAD 0.02%). This variant has not been reported in the literature in individuals affected with ALPK3-related conditions. ClinVar contains an entry for this variant (Variation ID: 1804923). Invitae Evidence Modeling of protein sequence and biophysical properties (such as structural, functional, and spatial information, amino acid conservation, physicochemical variation, residue mobility, and thermodynamic stability) indicates that this missense variant is not expected to disrupt ALPK3 protein function with a negative predictive value of 80%. In summary, the available evidence is currently insufficient to determine the role of this variant in disease. Therefore, it has been classified as a Variant of Uncertain Significance.

Ambry Genetics
Classification: Likely benign for Cardiovascular phenotype. Last evaluated: 2026-01-08. Review status: criteria provided, single submitter. Criteria: Ambry Variant Classification Scheme 2023. Collection method: clinical testing. Allele origin: germline.

PreventionGenetics, part of Exact Sciences
Classification: Uncertain significance for ALPK3-related condition. Last evaluated: 2025-09-05. Review status: criteria provided, single submitter. Criteria: ACMG Guidelines, 2015. Collection method: clinical testing. Allele origin: germline.
Comment: The ALPK3 c.4175C>T variant is predicted to result in the amino acid substitution p.Thr1392Met. To our knowledge, this variant has not been reported in the literature. This variant is reported in 0.016% of alleles in individuals of European (Non-Finnish) descent in gnomAD. At this time, the clinical significance of this variant is uncertain due to the absence of conclusive functional and genetic evidence.

Victorian Clinical Genetics Services, Murdoch Childrens Research Institute
Classification: Uncertain significance for Cardiomyopathy, familial hypertrophic 27. Last evaluated: 2021-05-06. Review status: criteria provided, single submitter. Criteria: ACMG Guidelines, 2015. Collection method: clinical testing. Allele origin: germline. Inheritance: Autosomal recessive inheritance. Affected: yes.
Comment: Based on the classification scheme VCGS_Germline_v1.3.4, this variant is classified as VUS-3C. Following criteria are met: 0102 - Loss of function is a known mechanism of disease in this gene and is associated with familial hypertrophic cardiomyopathy 27 (MIM#618052). (I) 0106 - This gene is associated with autosomal recessive disease. (I) 0200 - Variant is predicted to result in a missense amino acid change from threonine to methionine. (I) 0251 - This variant is heterozygous. (I) 0304 - Variant is present in gnomAD (v2) <0.01 for a recessive condition (20 heterozygotes, 0 homozygotes). (SP) 0504 - Same amino acid change has been observed in placental mammals. (SB) 0604 - Variant is not located in an established domain, motif, hotspot or informative constraint region. (I) 0705 - No comparable missense variants have previous evidence for pathogenicity. (I) 0807 - This variant has no previous evidence of pathogenicity. (I) 0905 - No published segregation evidence has been identified for this variant. (I) 1007 - No published functional evidence has been identified for this variant. (I) 1208 - Inheritance information for this variant is not currently available in this individual. (I) Legend: (SP) - Supporting pathogenic, (I) - Information, (SB) - Supporting benign

Blueprint Genetics
Classification: Likely benign. Last evaluated: 2020-06-05. Review status: criteria provided, single submitter. Criteria: ACMG Guidelines, 2015. Collection method: clinical testing. Allele origin: germline.